The following is an entry in ClinVar:

ClinVar aggregate classification (germline): Uncertain significance (1 of 4 stars; one submission).

Conditions:
Hereditary cancer-predisposing syndrome. Also called: Hereditary neoplastic syndrome; Tumor predisposition; Neoplastic Syndromes, Hereditary; Hereditary Cancer Syndrome. Identifiers: Orphanet 140162, MedGen C0027672, MeSH D009386, MONDO:0015356.

Submission:

Sema4
Classification: Uncertain significance for Hereditary cancer-predisposing syndrome. Last evaluated: 2021-12-17. Review status: criteria provided, single submitter. Criteria: Sema4 Curation Guidelines. Collection method: curation. Allele origin: germline.
Comment: The SMAD4 c.998T>C (p.V333A) variant has not been reported in the literature to our knowledge. It was not observed in the large and broad cohorts of the Genome Aggregation Database (PMID: 32461654), and has not been reported in ClinVar. Functional studies have not been performed, and in silico predictions of the variant's effect on protein function are inconclusive. The evidence is insufficient to meet ACMG/AMP criteria for classifying the variant as benign or pathogenic. Thus, the clinical significance of this variant is currently uncertain.

NM_005359.6(SMAD4):c.998T>C (p.Val333Ala)

Gene: SMAD4 (SMAD family member 4; plus strand). Cytogenetic location: 18q21.2.
Variant type: single nucleotide variant.
Coding change: c.998T>C on transcript NM_005359.6 (MANE Select); coding-DNA position 998, T replaced by C.
Protein change: p.Val333Ala; replaces valine 333 with alanine.
Molecular consequence: missense variant.
Genome position (GRCh38, 1-based): chr18:51,065,465, T>C. VCF-style: chr18-51065465-T-C. GRCh37 (hg19) VCF-style: chr18-48591835-T-C.
Other names: short protein forms V333A.
Identifiers: ClinVar variation 1692896 (VCV001692896.1), dbSNP rs2144446622, ClinGen allele CA402464175.